The following is an entry in ClinVar:

NM_001385641.1(SAMD11):c.1195_1195+96dup

Gene: SAMD11 (sterile alpha motif domain containing 11; plus strand). Cytogenetic location: 1p36.33.
Variant type: Duplication.
Coding change: c.1195_1195+96dup on transcript NM_001385641.1 (MANE Select); coding-DNA position 1195 through 96 bases into the intron after coding-DNA position 1195, 97 bases duplicated.
Molecular consequence: splice donor variant.
Genome position (GRCh38, 1-based): chr1:939,412-939,508, 97 bases duplicated. GRCh37 (hg19): chr1:874,792-874,888.
Other names: c.1198_1198+96dup (NM_001385640.1); c.658_706+48dup (NM_152486.4).
Identifiers: ClinVar variation 1484997 (VCV001484997.8), dbSNP rs2100343960, ClinGen allele CA2573132134.

ClinVar aggregate classification (germline): Uncertain significance (1 of 4 stars; one submission).

Submission:

Labcorp Genetics (formerly Invitae), Labcorp
Classification: Uncertain significance. Last evaluated: 2024-11-11. Review status: criteria provided, single submitter. Criteria: Invitae Variant Classification Sherloc (09022015). Collection method: clinical testing. Allele origin: germline.
Comment: This sequence change falls in intron 7 of the SAMD11 gene. It does not directly change the encoded amino acid sequence of the SAMD11 protein. This variant is not present in population databases (gnomAD no frequency). This variant has not been reported in the literature in individuals affected with SAMD11-related conditions. ClinVar contains an entry for this variant (Variation ID: 1484997). In summary, the available evidence is currently insufficient to determine the role of this variant in disease. Therefore, it has been classified as a Variant of Uncertain Significance.